The following is an entry in ClinVar:

ClinVar aggregate classification (germline): Uncertain significance (1 of 4 stars; one submission).

Submission:

Labcorp Genetics (formerly Invitae), Labcorp
Classification: Uncertain significance. Last evaluated: 2022-08-16. Review status: criteria provided, single submitter. Criteria: Invitae Variant Classification Sherloc (09022015). Collection method: clinical testing. Allele origin: germline.
Comment: This variant results in a copy number gain of the genomic region encompassing exon(s) 1-7 of the DNAJC21 gene. This region includes the initiator codon of the gene. This copy number gain extends beyond the assayed region for this gene and therefore may encompass additional genes. As the precise location of this event is unknown, it may be in tandem or it may be located elsewhere in the genome. This variant has not been reported in the literature in individuals affected with DNAJC21-related conditions. In summary, the available evidence is currently insufficient to determine the role of this variant in disease. Therefore, it has been classified as a Variant of Uncertain Significance.

NC_000005.9:g.(?_34929925)_(34941308_?)dup

Gene: DNAJC21 (DnaJ heat shock protein family (Hsp40) member C21; plus strand). Cytogenetic location: 5p13.2.
Variant type: Duplication.
Identifiers: ClinVar variation 1443949 (VCV001443949.4).